The following is an entry in ClinVar:

ClinVar aggregate classification (germline): Benign/Likely benign. Review status: criteria provided, single submitter (1 of 4 stars). 2 submissions from 1 submitter: Benign (1); Likely benign (1). Last evaluated 2018-01-13.

Conditions:
Cone-rod dystrophy 11 (CORD11). Identifiers: Orphanet 1872, MedGen C1835865, MONDO:0012483, OMIM 610381.
Age related macular degeneration 6. Identifiers: MedGen C3151060, MONDO:0013406, OMIM 613757.

Allele frequency attached by ClinVar (database versions not stated): gnomAD 0.00001 and 0.00020; TOPMed 0.00003; 1000 Genomes Project 0.00240; 1000 Genomes Project 30x 0.00250.

Submissions (2):

Illumina Laboratory Services, Illumina
Classification: Benign for Cone-rod dystrophy 11. Last evaluated: 2018-01-13. Review status: criteria provided, single submitter. Criteria: ICSL Variant Classification Criteria 13 December 2019. Collection method: clinical testing. Allele origin: germline.
Comment: This variant was observed in the ICSL laboratory as part of a predisposition screen in an ostensibly healthy population. It had not been previously curated by ICSL or reported in the Human Gene Mutation Database (HGMD: prior to June 1st, 2018), and was therefore a candidate for classification through an automated scoring system. Utilizing variant allele frequency, disease prevalence and penetrance estimates, and inheritance mode, an automated score was calculated to assess if this variant is too frequent to cause the disease. Based on the score and internal cut-off values, a variant classified as benign is not then subjected to further curation. The score for this variant resulted in a classification of benign for this disease.

Illumina Laboratory Services, Illumina
Classification: Likely benign for Age related macular degeneration 6. Last evaluated: 2018-01-13. Review status: criteria provided, single submitter. Criteria: ICSL Variant Classification Criteria 13 December 2019. Collection method: clinical testing. Allele origin: germline.
Comment: This variant was observed in the ICSL laboratory as part of a predisposition screen in an ostensibly healthy population. It had not been previously curated by ICSL or reported in the Human Gene Mutation Database (HGMD: prior to June 1st, 2018), and was therefore a candidate for classification through an automated scoring system. Utilizing variant allele frequency, disease prevalence and penetrance estimates, and inheritance mode, an automated score was calculated to assess if this variant is too frequent to cause the disease. Based on the score and internal cut-off values, a variant classified as likely benign is not then subjected to further curation. The score for this variant resulted in a classification of likely benign for this disease.

NM_001319074.4(RAX2):c.*679C>T

Gene: RAX2 (retina and anterior neural fold homeobox 2; minus strand). Cytogenetic location: 19p13.3.
Variant type: single nucleotide variant.
Coding change: c.*679C>T on transcript NM_001319074.4 (MANE Select); 679 bases downstream of the stop codon, C replaced by T.
Molecular consequence: 3 prime UTR variant.
Genome position (GRCh38, 1-based): chr19:3,769,942, G>A on the plus strand (C>T on the coding strand, the complement: RAX2 is on the minus strand). VCF-style: chr19-3769942-G-A. GRCh37 (hg19) VCF-style: chr19-3769940-G-A.
Other names: c.*679C>T (NM_032753.4).
Identifiers: ClinVar variation 328958 (VCV000328958.5), dbSNP rs576669713, ClinGen allele CA10652407.